The following is an entry in ClinVar:

ClinVar aggregate classification (germline): Uncertain significance (1 of 4 stars; one submission).

Conditions:
Osteogenesis imperfecta (OI). Identifiers: Orphanet 666, MedGen C0029434, MeSH D010013, MONDO:0019019.

Submission:

Center of Genomic medicine, Geneva, University Hospital of Geneva
Classification: Uncertain significance for Osteogenesis imperfecta. Last evaluated: 2018-11-26. Review status: criteria provided, single submitter. Criteria: ACMG Guidelines, 2015. Collection method: clinical testing. Allele origin: maternal. Affected: yes.

NM_005430.4(WNT1):c.989G>A (p.Cys330Tyr)

Gene: WNT1 (Wnt family member 1; plus strand). Cytogenetic location: 12q13.12.
Variant type: single nucleotide variant.
Coding change: c.989G>A on transcript NM_005430.4 (MANE Select); coding-DNA position 989, G replaced by A.
Protein change: p.Cys330Tyr; replaces cysteine 330 with tyrosine.
Molecular consequence: missense variant.
Genome position (GRCh38, 1-based): chr12:48,981,516, G>A. VCF-style: chr12-48981516-G-A. GRCh37 (hg19) VCF-style: chr12-49375299-G-A.
Other names: short protein forms C330Y.
Identifiers: ClinVar variation 627583 (VCV000627583.2), dbSNP rs1565722031, ClinGen allele CA384637990.